The following is an entry in ClinVar:

NM_001271.4(CHD2):c.1377+4T>C

Gene: CHD2 (chromodomain helicase DNA binding protein 2; plus strand). Cytogenetic location: 15q26.1.
Variant type: single nucleotide variant.
Coding change: c.1377+4T>C on transcript NM_001271.4 (MANE Select); 4 bases into the intron after coding-DNA position 1377, T replaced by C.
Molecular consequence: intron variant.
Genome position (GRCh38, 1-based): chr15:92,946,220, T>C. VCF-style: chr15-92946220-T-C. GRCh37 (hg19) VCF-style: chr15-93489450-T-C.
Other names: c.1377+4T>C (NM_001042572.3).
Identifiers: ClinVar variation 945663 (VCV000945663.1), dbSNP rs2053464708, ClinGen allele CA393904009.

ClinVar aggregate classification (germline): Uncertain significance (1 of 4 stars; one submission).

Conditions:
Developmental and epileptic encephalopathy 94 (DEE94). Also called: Epileptic encephalopathy, childhood-onset; CHD2-Related Neurodevelopmental Disorders. Identifiers: Orphanet 1942, Orphanet 2382, MedGen C3809278, MONDO:0014150, OMIM 615369.

Allele frequency attached by ClinVar (database versions not stated): gnomAD exomes below 0.00001.
gnomAD v4.1: 6 of 1,598,890 alleles (0.00038%); highest among the groups gnomAD compares: Non-Finnish European, 0.00051%; no homozygotes.

Submission:

Labcorp Genetics (formerly Invitae), Labcorp
Classification: Uncertain significance for Epileptic encephalopathy, childhood-onset. Last evaluated: 2019-05-04. Review status: criteria provided, single submitter. Criteria: Invitae Variant Classification Sherloc (09022015). Collection method: clinical testing. Allele origin: germline.
Comment: This sequence change falls in intron 12 of the CHD2 gene. It does not directly change the encoded amino acid sequence of the CHD2 protein, but it affects a nucleotide within the consensus splice site of the intron. This variant is not present in population databases (ExAC no frequency). This variant has not been reported in the literature in individuals with CHD2-related conditions. Nucleotide substitutions within the consensus splice site are a relatively common cause of aberrant splicing (PMID: 17576681, 9536098). Algorithms developed to predict the effect of sequence changes on RNA splicing suggest that this variant is not likely to affect RNA splicing, but this prediction has not been confirmed by published transcriptional studies. In summary, the available evidence is currently insufficient to determine the role of this variant in disease. Therefore, it has been classified as a Variant of Uncertain Significance.